The following is an entry in ClinVar:

NM_002691.4(POLD1):c.1139C>T (p.Ala380Val)

Gene: POLD1 (DNA polymerase delta 1, catalytic subunit; plus strand). Cytogenetic location: 19q13.33.
Variant type: single nucleotide variant.
Coding change: c.1139C>T on transcript NM_002691.4 (MANE Select); coding-DNA position 1139, C replaced by T.
Protein change: p.Ala380Val; replaces alanine 380 with valine.
Molecular consequence: missense variant. On other transcripts: non-coding transcript variant (1).
Genome position (GRCh38, 1-based): chr19:50,403,494, C>T. VCF-style: chr19-50403494-C-T. GRCh37 (hg19) VCF-style: chr19-50906751-C-T.
Other names: c.1139C>T, p.Ala380Val (NM_001256849.1, NM_001308632.1); c.1139C>T (NM_002691.2); short protein forms A380V.
Identifiers: ClinVar variation 1037189 (VCV001037189.9), dbSNP rs2038745411, ClinGen allele CA406978424.

ClinVar aggregate classification (germline): Uncertain significance. Review status: criteria provided, multiple submitters, no conflicts (2 of 4 stars). 2 submissions from 2 submitters: Uncertain significance (2). Last evaluated 2026-01-22.

Conditions:
POLD1-related polyposis and colorectal cancer syndrome (CRCS10). Also called: Colorectal cancer 10; COLORECTAL CANCER, SUSCEPTIBILITY TO, ON CHROMOSOME 19q; Colorectal cancer, susceptibility to, 10. Identifiers: Orphanet 220460, MedGen C2675481, MONDO:0012953, OMIM 612591.
Hereditary cancer-predisposing syndrome. Also called: Tumor predisposition; Hereditary Cancer Syndrome; Hereditary neoplastic syndrome; Neoplastic Syndromes, Hereditary. Identifiers: Orphanet 140162, MedGen C0027672, MeSH D009386, MONDO:0015356.

Submissions (2):

Ambry Genetics
Classification: Uncertain significance for Hereditary cancer-predisposing syndrome. Last evaluated: 2026-01-22. Review status: criteria provided, single submitter. Criteria: Ambry Variant Classification Scheme 2023. Collection method: clinical testing. Allele origin: germline.
Comment: The p.A380V variant (also known as c.1139C>T), located in coding exon 9 of the POLD1 gene, results from a C to T substitution at nucleotide position 1139. The alanine at codon 380 is replaced by valine, an amino acid with similar properties. This amino acid position is conserved. In addition, this alteration is predicted to be tolerated by in silico analysis. Based on the available evidence, the clinical significance of this variant remains unclear.

Labcorp Genetics (formerly Invitae), Labcorp
Classification: Uncertain significance for POLD1-related polyposis and colorectal cancer syndrome. Last evaluated: 2026-01-20. Review status: criteria provided, single submitter. Criteria: Invitae Variant Classification Sherloc (09022015). Collection method: clinical testing. Allele origin: germline.
Comment: This sequence change replaces alanine, which is neutral and non-polar, with valine, which is neutral and non-polar, at codon 380 of the POLD1 protein (p.Ala380Val). This variant is not present in population databases (gnomAD no frequency). This variant has not been reported in the literature in individuals affected with POLD1-related conditions. ClinVar contains an entry for this variant (Variation ID: 1037189). An algorithm developed to predict the effect of missense changes on protein structure and function (PolyPhen-2) suggests that this variant is likely to be disruptive. In summary, the available evidence is currently insufficient to determine the role of this variant in disease. Therefore, it has been classified as a Variant of Uncertain Significance.